The following is an entry in ClinVar:

NM_001853.4(COL9A3):c.1523G>C (p.Gly508Ala)

Genes: COL9A3 (collagen type IX alpha 3 chain; plus strand), LOC126863084 (MED14-independent group 3 enhancer GRCh37_chr20:61467141-61468340; plus strand). Cytogenetic location: 20q13.33.
Variant type: single nucleotide variant.
Coding change: c.1523G>C on transcript NM_001853.4 (MANE Select); coding-DNA position 1523, G replaced by C.
Protein change: p.Gly508Ala; replaces glycine 508 with alanine.
Molecular consequence: missense variant.
Genome position (GRCh38, 1-based): chr20:62,836,308, G>C. VCF-style: chr20-62836308-G-C. GRCh37 (hg19) VCF-style: chr20-61467660-G-C.
Other names: short protein forms G508A.
Identifiers: ClinVar variation 2821965 (VCV002821965.3), dbSNP rs1373430072, ClinGen allele CA409598146.

ClinVar aggregate classification (germline): Uncertain significance (1 of 4 stars; one submission).

Allele frequency attached by ClinVar (database versions not stated): gnomAD 0.00001; TOPMed 0.00001.
gnomAD v4.1: 1 of 1,613,660 alleles (0.000062%); highest among the groups gnomAD compares: Non-Finnish European, 0.000085%; no homozygotes.

Submission:

Labcorp Genetics (formerly Invitae), Labcorp
Classification: Uncertain significance. Last evaluated: 2022-12-18. Review status: criteria provided, single submitter. Criteria: Invitae Variant Classification Sherloc (09022015). Collection method: clinical testing. Allele origin: germline.
Comment: This sequence change replaces glycine, which is neutral and non-polar, with alanine, which is neutral and non-polar, at codon 508 of the COL9A3 protein (p.Gly508Ala). This variant is not present in population databases (gnomAD no frequency). This variant has not been reported in the literature in individuals affected with COL9A3-related conditions. Advanced modeling of protein sequence and biophysical properties (such as structural, functional, and spatial information, amino acid conservation, physicochemical variation, residue mobility, and thermodynamic stability) performed at Invitae indicates that this missense variant is expected to disrupt COL9A3 protein function. In summary, the available evidence is currently insufficient to determine the role of this variant in disease. Therefore, it has been classified as a Variant of Uncertain Significance.